The following is an entry in ClinVar:

NM_006648.4(WNK2):c.1618C>A (p.Gln540Lys)

Gene: WNK2 (WNK lysine deficient protein kinase 2; plus strand). Cytogenetic location: 9q22.31.
Variant type: single nucleotide variant.
Coding change: c.1618C>A on transcript NM_006648.4 (MANE Select); coding-DNA position 1618, C replaced by A.
Protein change: p.Gln540Lys; replaces glutamine 540 with lysine.
Molecular consequence: missense variant.
Genome position (GRCh38, 1-based): chr9:93,247,618, C>A. VCF-style: chr9-93247618-C-A. GRCh37 (hg19) VCF-style: chr9-96009900-C-A.
Other names: c.1618C>A, p.Gln540Lys (NM_001282394.3); short protein forms Q540K.
Identifiers: ClinVar variation 4605355 (VCV004605355.1).
Genomic context (GRCh38, chr9:93,247,618, plus strand): 5'-TTCCACGAGAGTGACGTCAAGATCGTGGCCAAGTCCATCCGTGACCGCGTGGCCTTGATC[C>A]AGTGGCGGCGGGAGAGGATCTGGCCCGCGCTGCAGCCCAAGGAGCAGCAGGATGTGGGCA-3'
Protein context (NP_006639.3, residues 530-550): KSIRDRVALI[Gln540Lys]WRRERIWPAL

ClinVar aggregate classification (germline): Uncertain significance (1 of 4 stars; one submission).

gnomAD v4.1: 7 of 1,601,190 alleles (0.00044%); highest among the groups gnomAD compares: South Asian, 0.0079%; no homozygotes.

Submission:

Ambry Genetics
Classification: Uncertain significance. Last evaluated: 2025-11-11. Review status: criteria provided, single submitter. Criteria: Ambry Variant Classification Scheme 2023. Collection method: clinical testing. Allele origin: germline.
Comment: The p.Q540K variant (also known as c.1618C>A), located in coding exon 7 of the WNK2 gene, results from a C to A substitution at nucleotide position 1618. The glutamine at codon 540 is replaced by lysine, an amino acid with similar properties. This amino acid position is conserved. In addition, this alteration is predicted to be tolerated by in silico analysis. Based on the available evidence, the clinical significance of this variant remains unclear.